The following is an entry in ClinVar:

ClinVar aggregate classification (germline): Pathogenic/Likely pathogenic. Review status: criteria provided, multiple submitters, no conflicts (2 of 4 stars). 2 submissions from 2 submitters: Pathogenic (1); Likely pathogenic (1). Last evaluated 2026-03-30.

Conditions:
PCNT-related disorder. Also called: PCNT-related condition.

Allele frequency attached by ClinVar (database versions not stated): gnomAD exomes 0.00001; ExAC 0.00002; gnomAD 0.00007; TOPMed 0.00007; ESP Exome Variant Server 0.00008.
gnomAD v4.1: 19 of 1,613,956 alleles (0.0012%); highest among the groups gnomAD compares: African/African-American, 0.016%; no homozygotes.

Submissions (2):

PreventionGenetics, part of Exact Sciences
Classification: Likely pathogenic for PCNT-related condition. Last evaluated: 2026-03-30. Review status: criteria provided, single submitter. Criteria: ACMG Guidelines, 2015. Collection method: clinical testing. Allele origin: germline.
Comment: The PCNT c.8563C>T variant is predicted to result in premature protein termination (p.Arg2855*). To our knowledge, this variant has not been reported in the literature. This variant is reported in 0.012% of alleles in individuals of African descent in gnomAD. Nonsense variants in PCNT are expected to be pathogenic. This variant is interpreted as likely pathogenic.

Labcorp Genetics (formerly Invitae), Labcorp
Classification: Pathogenic. Last evaluated: 2023-11-29. Review status: criteria provided, single submitter. Criteria: Invitae Variant Classification Sherloc (09022015). Collection method: clinical testing. Allele origin: germline.
Comment: This sequence change creates a premature translational stop signal (p.Arg2855*) in the PCNT gene. It is expected to result in an absent or disrupted protein product. Loss-of-function variants in PCNT are known to be pathogenic (PMID: 18174396, 22821869). This variant is present in population databases (rs141816832, gnomAD 0.01%). This variant has not been reported in the literature in individuals affected with PCNT-related conditions. For these reasons, this variant has been classified as Pathogenic.

Literature cited by the submitters: PubMed 18174396 (cited by Labcorp Genetics (formerly Invitae), Labcorp); PubMed 22821869 (cited by Labcorp Genetics (formerly Invitae), Labcorp).

NM_006031.6(PCNT):c.8563C>T (p.Arg2855Ter)

Gene: PCNT (pericentrin; plus strand). Cytogenetic location: 21q22.3.
Variant type: single nucleotide variant.
Coding change: c.8563C>T on transcript NM_006031.6 (MANE Select); coding-DNA position 8563, C replaced by T.
Protein change: p.Arg2855Ter; replaces arginine 2855 with a stop codon.
Molecular consequence: nonsense. On other transcripts: intron variant (1).
Genome position (GRCh38, 1-based): chr21:46,432,027, C>T. VCF-style: chr21-46432027-C-T. GRCh37 (hg19) VCF-style: chr21-47851941-C-T.
Other names: c.8160+49C>T (NM_001315529.2); short protein forms R2855*.
Identifiers: ClinVar variation 2634196 (VCV002634196.7), dbSNP rs141816832, ClinGen allele CA10080994.